The following is an entry in ClinVar:

ClinVar aggregate classification (germline): Uncertain significance (1 of 4 stars; one submission).

Conditions:
Early-onset Parkinson disease 20. Also called: PARKINSON DISEASE 20, AUTOSOMAL RECESSIVE EARLY-ONSET. Identifiers: Orphanet 391411, MedGen C3809824, MONDO:0014233, OMIM 615530.
Developmental and epileptic encephalopathy, 53. Also called: Epileptic encephalopathy, early infantile, 53. Identifiers: MedGen C4479313, MONDO:0033362, OMIM 617389.

gnomAD v4.1: 1 of 1,614,012 alleles (0.000062%); highest among the groups gnomAD compares: Non-Finnish European, 0.000085%; no homozygotes.

Submission:

Labcorp Genetics (formerly Invitae), Labcorp
Classification: Uncertain significance for Developmental and epileptic encephalopathy, 53; Early-onset Parkinson disease 20. Last evaluated: 2024-04-10. Review status: criteria provided, single submitter. Criteria: Invitae Variant Classification Sherloc (09022015). Collection method: clinical testing. Allele origin: germline.
Comment: This sequence change replaces proline, which is neutral and non-polar, with arginine, which is basic and polar, at codon 1517 of the SYNJ1 protein (p.Pro1517Arg). This variant is present in population databases (rs749527882, gnomAD 0.0009%). This variant has not been reported in the literature in individuals affected with SYNJ1-related conditions. ClinVar contains an entry for this variant (Variation ID: 544572). An algorithm developed to predict the effect of missense changes on protein structure and function (PolyPhen-2) suggests that this variant is likely to be disruptive. In summary, the available evidence is currently insufficient to determine the role of this variant in disease. Therefore, it has been classified as a Variant of Uncertain Significance.

NM_203446.3(SYNJ1):c.*521C>G

Gene: SYNJ1 (synaptojanin 1; minus strand). Cytogenetic location: 21q22.11.
Variant type: single nucleotide variant.
Coding change: c.*521C>G on transcript NM_203446.3 (MANE Select); 521 bases downstream of the stop codon, C replaced by G.
Molecular consequence: 3 prime UTR variant. On other transcripts: missense variant (2).
Genome position (GRCh38, 1-based): chr21:32,631,284, G>C on the plus strand (C>G on the coding strand, the complement: SYNJ1 is on the minus strand). VCF-style: chr21-32631284-G-C. GRCh37 (hg19) VCF-style: chr21-34003594-G-C.
Other names: c.*521C>G (NM_001160302.2); c.4292C>G, p.Pro1431Arg (NM_001160306.2); c.4550C>G, p.Pro1517Arg (NM_003895.4); short protein forms P1517R, P1431R.
Identifiers: ClinVar variation 544572 (VCV000544572.10), dbSNP rs749527882, ClinGen allele CA10003099.